The following is an entry in ClinVar:

NM_004415.4(DSP):c.5881G>A (p.Val1961Ile)

Gene: DSP (desmoplakin; plus strand). Cytogenetic location: 6p24.3.
Variant type: single nucleotide variant.
Coding change: c.5881G>A on transcript NM_004415.4 (MANE Select); coding-DNA position 5881, G replaced by A.
Protein change: p.Val1961Ile; replaces valine 1961 with isoleucine.
Molecular consequence: missense variant.
Genome position (GRCh38, 1-based): chr6:7,583,143, G>A. VCF-style: chr6-7583143-G-A. GRCh37 (hg19) VCF-style: chr6-7583376-G-A.
Other names: p.V1961I:GTT>ATT; c.4084G>A, p.Val1362Ile (NM_001008844.3); c.4552G>A, p.Val1518Ile (NM_001319034.2); c.5881G>A (LRG_423t1); short protein forms V1961I, V1518I, V1362I.
Identifiers: ClinVar variation 199896 (VCV000199896.21), dbSNP rs368869076, ClinGen allele CA006646.

ClinVar aggregate classification (germline): Conflicting classifications of pathogenicity. Review status: criteria provided, conflicting classifications (1 of 4 stars). 5 submissions from 5 submitters: Uncertain significance (2); Benign (1); Likely benign (2). Last evaluated 2025-11-06.

Conditions:
Cardiovascular phenotype. Identifiers: MedGen CN230736.
Arrhythmogenic cardiomyopathy with wooly hair and keratoderma. Also called: Carvajal syndrome; Dilated cardiomyopathy with woolly hair and keratoderma; Arrhythmogenic cardiomyopathy with woolly hair and keratoderma; PALMOPLANTAR KERATODERMA WITH LEFT VENTRICULAR CARDIOMYOPATHY AND WOOLLY HAIR. Identifiers: Orphanet 65282, MedGen C1854063, MONDO:0011581, OMIM 605676.
Arrhythmogenic right ventricular dysplasia 8 (ARVD8). Also called: Arrhythmogenic Right Ventricular Dysplasia/Cardiomyopathy 8; ARRHYTHMOGENIC RIGHT VENTRICULAR CARDIOMYOPATHY 8; ARRHYTHMOGENIC RIGHT VENTRICULAR DYSPLASIA, FAMILIAL, 8. Identifiers: MedGen C1843896, MONDO:0011831, OMIM 607450.
Cardiomyopathy (CMYO). Also called: Cardiomyopathies. Identifiers: Orphanet 167848, MedGen C0878544, MONDO:0004994, HP:0001638. Inheritance: Various modes of inheritance.

Allele frequency attached by ClinVar (database versions not stated): gnomAD 0.00001; TOPMed 0.00001; gnomAD exomes 0.00002; ExAC 0.00003; ESP Exome Variant Server 0.00008.

Submissions (5):

Labcorp Genetics (formerly Invitae), Labcorp
Classification: Likely benign for Arrhythmogenic cardiomyopathy with wooly hair and keratoderma; Arrhythmogenic right ventricular dysplasia 8. Last evaluated: 2025-11-06. Review status: criteria provided, single submitter. Criteria: Invitae Variant Classification Sherloc (09022015). Collection method: clinical testing. Allele origin: germline.

GeneDx
Classification: Uncertain significance. Last evaluated: 2025-05-28. Review status: criteria provided, single submitter. Criteria: GeneDx Variant Classification Process June 2021. Collection method: clinical testing. Allele origin: germline. Affected: yes.
Comment: Not observed at significant frequency in large population cohorts (gnomAD); In silico analysis suggests that this missense variant does not alter protein structure/function; Observed in an individual with HCM (PMID: 23396983); This variant is associated with the following publications: (PMID: 25351510, 23396983)

Color Diagnostics, LLC DBA Color Health
Classification: Uncertain significance for Cardiomyopathy. Last evaluated: 2024-05-23. Review status: criteria provided, single submitter. Criteria: ACMG Guidelines, 2015. Collection method: clinical testing. Allele origin: germline.
Comment: This missense variant replaces valine with isoleucine at codon 1961 of the DSP protein. Computational prediction suggests that this variant may not impact protein structure and function. To our knowledge, functional studies have not been reported for this variant. This variant has been reported in at least one individual affected with hypertrophic cardiomyopathy (PMID: 23396983, 25351510). This variant has been identified in 5/251098 chromosomes in the general population by the Genome Aggregation Database (gnomAD). The available evidence is insufficient to determine the role of this variant in disease conclusively. Therefore, this variant is classified as a Variant of Uncertain Significance.

Ambry Genetics
Classification: Likely benign for Cardiovascular phenotype. Last evaluated: 2024-02-01. Review status: criteria provided, single submitter. Criteria: Ambry Variant Classification Scheme 2023. Collection method: clinical testing. Allele origin: germline.

CHEO Genetics Diagnostic Laboratory, Children's Hospital of Eastern Ontario
Classification: Benign for Cardiomyopathy. Last evaluated: 2023-05-17. Review status: criteria provided, single submitter. Criteria: ACMG Guidelines, 2015. Collection method: clinical testing. Allele origin: germline.

Literature cited by the submitters: PubMed 23396983 (cited by Color Diagnostics, LLC DBA Color Health and Ambry Genetics); PubMed 25351510 (cited by Color Diagnostics, LLC DBA Color Health and Ambry Genetics).